The following is an entry in ClinVar:

ClinVar aggregate classification (germline): Uncertain significance (0 of 4 stars; one submission).

Conditions:
Hearing impairment. Also called: Impaired Hearing. Identifiers: MedGen C1384666, MONDO:0005365, HP:0000365.

gnomAD v4.1: 62 of 152,310 alleles (0.041%); highest among the groups gnomAD compares: Non-Finnish European, 0.068%; no homozygotes.

Submission:

Joint Genome Diagnostic Labs from Nijmegen and Maastricht, Radboudumc and MUMC+
Classification: Uncertain significance for hearing impairment. Review status: no assertion criteria provided. Collection method: clinical testing. Allele origin: germline. Affected: yes.

NM_206933.4(USH2A):c.11389+2566A>G

Gene: USH2A (usherin; minus strand). Cytogenetic location: 1q41.
Variant type: single nucleotide variant.
Coding change: c.11389+2566A>G on transcript NM_206933.4 (MANE Select); 2566 bases into the intron after coding-DNA position 11389, A replaced by G.
Molecular consequence: intron variant.
Genome position (GRCh38, 1-based): chr1:215,756,029, T>C on the plus strand (A>G on the coding strand, the complement: USH2A is on the minus strand). VCF-style: chr1-215756029-T-C. GRCh37 (hg19) VCF-style: chr1-215929371-T-C.
Identifiers: ClinVar variation 3338154 (VCV003338154.1).